The following is an entry in ClinVar:

ClinVar aggregate classification (germline): Conflicting classifications of pathogenicity. Review status: criteria provided, conflicting classifications (1 of 4 stars). 2 submissions from 2 submitters: Uncertain significance (1); Likely benign (1). Last evaluated 2025-11-04.

Conditions:
Hereditary cancer-predisposing syndrome. Also called: Neoplastic Syndromes, Hereditary; Tumor predisposition; Hereditary Cancer Syndrome; Hereditary neoplastic syndrome. Identifiers: Orphanet 140162, MedGen C0027672, MeSH D009386, MONDO:0015356.
POLD1-related polyposis and colorectal cancer syndrome (CRCS10). Also called: Colorectal cancer 10; COLORECTAL CANCER, SUSCEPTIBILITY TO, ON CHROMOSOME 19q; Colorectal cancer, susceptibility to, 10. Identifiers: Orphanet 220460, MedGen C2675481, MONDO:0012953, OMIM 612591.

Submissions (2):

Labcorp Genetics (formerly Invitae), Labcorp
Classification: Uncertain significance for POLD1-related polyposis and colorectal cancer syndrome. Last evaluated: 2025-11-04. Review status: criteria provided, single submitter. Criteria: Invitae Variant Classification Sherloc (09022015). Collection method: clinical testing. Allele origin: germline.
Comment: This sequence change affects codon 906 of the POLD1 mRNA. It is a 'silent' change, meaning that it does not change the encoded amino acid sequence of the POLD1 protein. It affects a nucleotide within the consensus splice site. This variant is not present in population databases (gnomAD no frequency). This variant has not been reported in the literature in individuals affected with POLD1-related conditions. ClinVar contains an entry for this variant (Variation ID: 3935580). Algorithms developed to predict the effect of sequence changes on RNA splicing suggest that this variant is not likely to affect RNA splicing. In summary, the available evidence is currently insufficient to determine the role of this variant in disease. Therefore, it has been classified as a Variant of Uncertain Significance.

Ambry Genetics
Classification: Likely benign for Hereditary cancer-predisposing syndrome. Last evaluated: 2025-05-21. Review status: criteria provided, single submitter. Criteria: Ambry Variant Classification Scheme 2023. Collection method: clinical testing. Allele origin: germline.

NM_002691.4(POLD1):c.2718G>A (p.Arg906=)

Gene: POLD1 (DNA polymerase delta 1, catalytic subunit; plus strand). Cytogenetic location: 19q13.33.
Variant type: single nucleotide variant.
Coding change: c.2718G>A on transcript NM_002691.4 (MANE Select); coding-DNA position 2718, G replaced by A.
Protein change: p.Arg906=; no amino-acid change (arginine 906 retained).
Molecular consequence: synonymous variant.
Genome position (GRCh38, 1-based): chr19:50,415,724, G>A. VCF-style: chr19-50415724-G-A. GRCh37 (hg19) VCF-style: chr19-50918981-G-A.
Other names: c.2718G>A, p.Arg906= (NM_001256849.1); c.2796G>A, p.Arg932= (NM_001308632.1).
Identifiers: ClinVar variation 3935580 (VCV003935580.2).